The following is an entry in ClinVar:

ClinVar aggregate classification (germline): Uncertain significance. Review status: criteria provided, multiple submitters, no conflicts (2 of 4 stars). 2 submissions from 2 submitters: Uncertain significance (2). Last evaluated 2025-01-25.

Conditions:
Acute myeloid leukemia (AML). Also called: Acute myeloid leukemia, adult; AML adult; Acute non-lymphocytic leukemia; Acute granulocytic leukemia; Leukemia, acute myeloid, somatic; Leukemia, acute myelogenous, somatic. Identifiers: Orphanet 519, MedGen C0023467, MeSH D015470, MONDO:0018874, OMIM 601626, HP:0004808. Disease mechanism: Constitutively activated FLT3.
Inborn genetic diseases. Identifiers: MedGen C0950123, MeSH D030342.

Allele frequency attached by ClinVar (database versions not stated): gnomAD exomes below 0.00001.

Submissions (2):

Ambry Genetics
Classification: Uncertain significance for Inborn genetic diseases. Last evaluated: 2025-01-25. Review status: criteria provided, single submitter. Criteria: Ambry Variant Classification Scheme 2023. Collection method: clinical testing. Allele origin: germline.
Comment: The p.E8K variant (also known as c.22G>A), located in coding exon 1 of the CEBPA gene, results from a G to A substitution at nucleotide position 22. The glutamic acid at codon 8 is replaced by lysine, an amino acid with similar properties. This amino acid position is well conserved in available vertebrate species. In addition, this alteration is predicted to be tolerated by in silico analysis. Based on the available evidence, the clinical significance of this variant remains unclear.

Labcorp Genetics (formerly Invitae), Labcorp
Classification: Uncertain significance for Acute myeloid leukemia. Last evaluated: 2023-10-13. Review status: criteria provided, single submitter. Criteria: Invitae Variant Classification Sherloc (09022015). Collection method: clinical testing. Allele origin: germline.
Comment: This sequence change replaces glutamic acid, which is acidic and polar, with lysine, which is basic and polar, at codon 8 of the CEBPA protein (p.Glu8Lys). This variant is not present in population databases (gnomAD no frequency). This variant has not been reported in the literature in individuals affected with CEBPA-related conditions. ClinVar contains an entry for this variant (Variation ID: 647973). An algorithm developed to predict the effect of missense changes on protein structure and function (PolyPhen-2) suggests that this variant is likely to be disruptive. In summary, the available evidence is currently insufficient to determine the role of this variant in disease. Therefore, it has been classified as a Variant of Uncertain Significance.

NM_004364.5(CEBPA):c.22G>A (p.Glu8Lys)

Genes: CEBPA (CCAAT enhancer binding protein alpha; minus strand), LOC130064183 (ATAC-STARR-seq lymphoblastoid silent region 10495; plus strand). Cytogenetic location: 19q13.11.
Variant type: single nucleotide variant.
Coding change: c.22G>A on transcript NM_004364.5 (MANE Select); coding-DNA position 22, G replaced by A.
Protein change: p.Glu8Lys; replaces glutamic acid 8 with lysine.
Molecular consequence: missense variant. On other transcripts: 5 prime UTR variant (2).
Genome position (GRCh38, 1-based): chr19:33,302,393, C>T on the plus strand (G>A on the coding strand, the complement: CEBPA is on the minus strand). VCF-style: chr19-33302393-C-T. GRCh37 (hg19) VCF-style: chr19-33793299-C-T.
Other names: c.-336G>A (NM_001285829.2); c.127G>A, p.Glu43Lys (NM_001287424.2); c.-21G>A (NM_001287435.2); c.22G>A (NM_004364.3); short protein forms E43K, E8K.
Identifiers: ClinVar variation 647973 (VCV000647973.10), dbSNP rs1600024672, ClinGen allele CA405275845.